The following is an entry in ClinVar:

ClinVar aggregate classification (germline): Uncertain significance. Review status: criteria provided, multiple submitters, no conflicts (2 of 4 stars). 2 submissions from 2 submitters: Uncertain significance (2). Last evaluated 2023-11-12.

Conditions:
Inborn genetic diseases. Identifiers: MedGen C0950123, MeSH D030342.

Submissions (2):

Ambry Genetics
Classification: Uncertain significance for Inborn genetic diseases. Last evaluated: 2023-11-12. Review status: criteria provided, single submitter. Criteria: Ambry Variant Classification Scheme 2023. Collection method: clinical testing. Allele origin: germline.
Comment: The p.S541N variant (also known as c.1622G>A), located in coding exon 17 of the ERCC2 gene, results from a G to A substitution at nucleotide position 1622. The serine at codon 541 is replaced by asparagine, an amino acid with highly similar properties. This amino acid position is conserved. In addition, this alteration is predicted to be deleterious by in silico analysis. Since supporting evidence is limited at this time, the clinical significance of this alteration remains unclear.

Labcorp Genetics (formerly Invitae), Labcorp
Classification: Uncertain significance. Last evaluated: 2022-03-18. Review status: criteria provided, single submitter. Criteria: Invitae Variant Classification Sherloc (09022015). Collection method: clinical testing. Allele origin: germline.
Comment: This sequence change replaces serine, which is neutral and polar, with asparagine, which is neutral and polar, at codon 541 of the ERCC2 protein (p.Ser541Asn). This variant is not present in population databases (gnomAD no frequency). This variant has not been reported in the literature in individuals affected with ERCC2-related conditions. Algorithms developed to predict the effect of missense changes on protein structure and function are either unavailable or do not agree on the potential impact of this missense change (SIFT: "Deleterious"; PolyPhen-2: "Probably Damaging"; Align-GVGD: "Class C0"). In summary, the available evidence is currently insufficient to determine the role of this variant in disease. Therefore, it has been classified as a Variant of Uncertain Significance.

NM_000400.4(ERCC2):c.1622G>A (p.Ser541Asn)

Gene: ERCC2 (ERCC excision repair 2, TFIIH core complex helicase subunit; minus strand). Cytogenetic location: 19q13.32.
Variant type: single nucleotide variant.
Coding change: c.1622G>A on transcript NM_000400.4 (MANE Select); coding-DNA position 1622, G replaced by A.
Protein change: p.Ser541Asn; replaces serine 541 with asparagine.
Molecular consequence: missense variant.
Genome position (GRCh38, 1-based): chr19:45,354,773, C>T on the plus strand (G>A on the coding strand, the complement: ERCC2 is on the minus strand). VCF-style: chr19-45354773-C-T. GRCh37 (hg19) VCF-style: chr19-45858031-C-T.
Other names: short protein forms S541N.
Identifiers: ClinVar variation 2114027 (VCV002114027.5), dbSNP rs1475484723, ClinGen allele CA406365317.